The following is an entry in ClinVar:

ClinVar aggregate classification (germline): Uncertain significance. Review status: criteria provided, multiple submitters, no conflicts (2 of 4 stars). 5 submissions from 5 submitters: Uncertain significance (5). Last evaluated 2025-11-17.

Conditions:
Autosomal recessive limb-girdle muscular dystrophy type 2E (LGMDR4). Also called: MUSCULAR DYSTROPHY, LIMB-GIRDLE, AUTOSOMAL RECESSIVE 4. Identifiers: Orphanet 119, MedGen C1858593, MONDO:0011423, OMIM 604286. Disease mechanism: Affects gamma-sarcoglycan and also disrupts the integrity of the entire sarcoglycan complex..

Allele frequency attached by ClinVar (database versions not stated): TOPMed below 0.00001; gnomAD 0.00003; 1000 Genomes Project 30x 0.00016; 1000 Genomes Project 0.00020.

Submissions (6):

Myriad Genetics, Inc.
Classification: Uncertain significance for Autosomal recessive limb-girdle muscular dystrophy type 2E. Last evaluated: 2025-11-17. Review status: criteria provided, single submitter. Criteria: Myriad Autosomal Dominant, Autosomal Recessive and X-Linked Classification Criteria (2023). Collection method: clinical testing. Allele origin: unknown.
Comment: NM_000232.4(SGCB):c.667C>T(R223C) is a missense variant classified as a variant of uncertain significance in the context of beta-sarcoglycanopathy. R223C has not been observed in cases with relevant disease. Relevant functional assessments of this variant are available in the literature (PMID: 37317968). R223C has been observed in referenced population frequency databases. In summary, there is insufficient evidence to classify NM_000232.4(SGCB):c.667C>T(R223C) as pathogenic or benign. Please note: this variant was assessed in the context of healthy population screening.

Revvity Omics, Revvity
Classification: Uncertain significance for Autosomal recessive limb-girdle muscular dystrophy type 2E. Last evaluated: 2024-10-30. Review status: criteria provided, single submitter. Criteria: ACMG Guidelines, 2015. Collection method: clinical testing. Allele origin: germline.

Genome-Nilou Lab
Classification: Uncertain significance for Autosomal recessive limb-girdle muscular dystrophy type 2E. Last evaluated: 2021-07-22. Review status: criteria provided, single submitter. Criteria: ACMG Guidelines, 2015. Collection method: clinical testing. Allele origin: germline. Affected: no.

Pars Genome Lab
Classification: Uncertain significance for Autosomal recessive limb-girdle muscular dystrophy type 2E. Last evaluated: 2021-05-18. Review status: criteria provided, single submitter. Criteria: ACMG Guidelines, 2015. Collection method: clinical testing. Allele origin: germline. Affected: no.

Eurofins Ntd Llc (ga)
Classification: Uncertain significance. Last evaluated: 2017-05-23. Review status: criteria provided, single submitter. Criteria: EGL Classification Definitions 2015. Collection method: clinical testing. Allele origin: germline. Observed: 1 variant allele, 1 heterozygote.

Dr. Peter K. Rogan Lab, Western University
No classification provided (evidence only). Condition: Gastric cancer. Review status: no classification provided. Collection method: in vitro. Allele origin: not applicable. Functional consequence: retained intron. Not counted in ClinVar's aggregate classification.

Literature cited by the submitters: PubMed 37317968 (cited by Myriad Genetics, Inc.).

NM_000232.5(SGCB):c.667C>T (p.Arg223Cys)

Gene: SGCB (sarcoglycan beta; minus strand). Cytogenetic location: 4q12.
Variant type: single nucleotide variant.
Coding change: c.667C>T on transcript NM_000232.5 (MANE Select); coding-DNA position 667, C replaced by T.
Protein change: p.Arg223Cys; replaces arginine 223 with cysteine.
Molecular consequence: missense variant.
Genome position (GRCh38, 1-based): chr4:52,028,054, G>A on the plus strand (C>T on the coding strand, the complement: SGCB is on the minus strand). VCF-style: chr4-52028054-G-A. GRCh37 (hg19) VCF-style: chr4-52894220-G-A.
Other names: NC_000004.11:g.52894220G>A; short protein forms R223C.
Identifiers: ClinVar variation 502161 (VCV000502161.11), dbSNP rs570232197, ClinGen allele CA96780948.